The following is an entry in ClinVar:

NM_024757.5(EHMT1):c.1810C>T (p.Gln604Ter)

Gene: EHMT1 (euchromatic histone lysine methyltransferase 1; plus strand). Cytogenetic location: 9q34.3.
Variant type: single nucleotide variant.
Coding change: c.1810C>T on transcript NM_024757.5 (MANE Select); coding-DNA position 1810, C replaced by T.
Protein change: p.Gln604Ter; replaces glutamine 604 with a stop codon.
Molecular consequence: nonsense.
Genome position (GRCh38, 1-based): chr9:137,776,636, C>T. VCF-style: chr9-137776636-C-T. GRCh37 (hg19) VCF-style: chr9-140671088-C-T.
Other names: c.1810C>T, p.Gln604Ter (NM_001145527.2); c.1717C>T, p.Gln573Ter (NM_001354259.2); c.1789C>T, p.Gln597Ter (NM_001354263.2); short protein forms Q604*, Q573*, Q597*.
Identifiers: ClinVar variation 65728 (VCV000065728.4), dbSNP rs137852717, ClinGen allele CA345050.

ClinVar aggregate classification (germline): Pathogenic. Review status: criteria provided, single submitter (1 of 4 stars). 2 submissions from 2 submitters: Pathogenic (1). 1 of the submissions does not count toward it.

Conditions:
Kleefstra syndrome 1 (KLEFS1). Identifiers: Orphanet 261494, MedGen C0795833, MONDO:0027407, OMIM 610253.

Submissions (2):

Laboratory of Genetics, Children's Clinical University Hospital Latvia
Classification: Pathogenic for Kleefstra syndrome 1. Review status: criteria provided, single submitter. Criteria: ACMG Guidelines, 2015. Collection method: curation. Allele origin: germline. Affected: yes.
Comment: Inheritance unknown

GeneReviews
No classification provided. Condition: Kleefstra syndrome 1. Review status: no classification provided. Collection method: literature only. Allele origin: unknown. Not counted in ClinVar's aggregate classification.

Literature cited by the submitters: PubMed 39013458 (cited by Laboratory of Genetics, Children's Clinical University Hospital Latvia); PubMed 19264732 (cited by GeneReviews); PubMed 20945554 (cited by GeneReviews); NCBI Bookshelf NBK47079 (cited by GeneReviews).